The following is an entry in ClinVar:

ClinVar aggregate classification (germline): Pathogenic/Likely pathogenic. Review status: criteria provided, multiple submitters, no conflicts (2 of 4 stars). 4 submissions from 4 submitters: Pathogenic (2); Likely pathogenic (2). Last evaluated 2025-02-03.

Conditions:
Bardet-Biedl syndrome 14 (BBS14). Identifiers: Orphanet 110, MedGen C2673874, MONDO:0014442, OMIM 615991.
CEP290-related disorder. Also called: CEP290-related condition; CEP290-related disorders. Identifiers: MedGen CN239314.
CEP290-related ciliopathy. Also called: CEP290 ciliopathy. Identifiers: MedGen CN305601, MONDO:0100451.
Joubert syndrome. Also called: JOUBERT-BOLTSHAUSER SYNDROME; Familial aplasia of the vermis. Identifiers: Orphanet 475, MedGen C5979921, MONDO:0018772.
Nephronophthisis. Also called: Juvenile Nephronophthisis. Identifiers: Orphanet 655, MedGen C0687120, MONDO:0019005, HP:0000090.
Meckel-Gruber syndrome. Also called: DYSENCEPHALIA SPLANCHNOCYSTICA; GRUBER SYNDROME; Dysencephalia splachnocystica. Identifiers: Orphanet 564, MedGen C0265215, MONDO:0018921.

Allele frequency attached by ClinVar (database versions not stated): gnomAD exomes below 0.00001.
gnomAD v4.1: 1 of 1,541,826 alleles (0.000065%); no homozygotes.

Submissions (4):

Myriad Genetics, Inc.
Classification: Pathogenic for CEP290-related ciliopathy. Last evaluated: 2025-02-03. Review status: criteria provided, single submitter. Criteria: Myriad Autosomal Dominant, Autosomal Recessive and X-Linked Classification Criteria (2023). Collection method: clinical testing. Allele origin: unknown.
Comment: NM_025114.3(CEP290):c.2499G>A(W833*) is expected to be pathogenic in the context of CEP290-related disorders. This variant is predicted to lead to an abnormal or absent protein product due to the creation of a premature termination codon in CEP290, a gene where loss-of-function variants are known to be pathogenic. Please note: this variant was assessed in the context of healthy population screening.

Baylor Genetics
Classification: Likely pathogenic for Bardet-Biedl syndrome 14. Last evaluated: 2024-03-27. Review status: criteria provided, single submitter. Criteria: ACMG Guidelines, 2015. Collection method: clinical testing. Allele origin: unknown.

Labcorp Genetics (formerly Invitae), Labcorp
Classification: Pathogenic for Joubert syndrome; Meckel-Gruber syndrome; Nephronophthisis. Last evaluated: 2023-12-03. Review status: criteria provided, single submitter. Criteria: Invitae Variant Classification Sherloc (09022015). Collection method: clinical testing. Allele origin: germline.
Comment: This sequence change creates a premature translational stop signal (p.Trp833*) in the CEP290 gene. It is expected to result in an absent or disrupted protein product. Loss-of-function variants in CEP290 are known to be pathogenic (PMID: 16909394, 17345604, 20690115). This variant is not present in population databases (gnomAD no frequency). This variant has not been reported in the literature in individuals affected with CEP290-related conditions. ClinVar contains an entry for this variant (Variation ID: 1696399). For these reasons, this variant has been classified as Pathogenic.

Women's Health and Genetics/Laboratory Corporation of America, LabCorp
Classification: Likely pathogenic for CEP290-related disorder. Last evaluated: 2022-05-04. Review status: criteria provided, single submitter. Criteria: LabCorp Variant Classification Summary - May 2015. Collection method: clinical testing. Allele origin: germline.
Comment: Variant summary: CEP290 c.2499G>A (p.Trp833X) results in a premature termination codon, predicted to cause a truncation of the encoded protein or absence of the protein due to nonsense mediated decay, which are commonly known mechanisms for disease. Truncations downstream of this position have been classified as pathogenic by our laboratory. The variant was absent in 160258 control chromosomes. To our knowledge, no occurrence of c.2499G>A in individuals affected with CEP290-Related Disorders and no experimental evidence demonstrating its impact on protein function have been reported. No clinical diagnostic laboratories have submitted clinical-significance assessments for this variant to ClinVar after 2014. Based on the evidence outlined above, the variant was classified as likely pathogenic.

Literature cited by the submitters: PubMed 16909394 (cited by Labcorp Genetics (formerly Invitae), Labcorp); PubMed 17345604 (cited by Labcorp Genetics (formerly Invitae), Labcorp); PubMed 20690115 (cited by Labcorp Genetics (formerly Invitae), Labcorp).

NM_025114.4(CEP290):c.2499G>A (p.Trp833Ter)

Gene: CEP290 (centrosomal protein 290; minus strand). Cytogenetic location: 12q21.32.
Variant type: single nucleotide variant.
Coding change: c.2499G>A on transcript NM_025114.4 (MANE Select); coding-DNA position 2499, G replaced by A.
Protein change: p.Trp833Ter; replaces tryptophan 833 with a stop codon.
Molecular consequence: nonsense.
Genome position (GRCh38, 1-based): chr12:88,107,083, C>T on the plus strand (G>A on the coding strand, the complement: CEP290 is on the minus strand). VCF-style: chr12-88107083-C-T. GRCh37 (hg19) VCF-style: chr12-88500860-C-T.
Other names: short protein forms W833*.
Identifiers: ClinVar variation 1696399 (VCV001696399.6), dbSNP rs2137624440, ClinGen allele CA385972164.